The following is an entry in ClinVar:

ClinVar aggregate classification (germline): Uncertain significance (1 of 4 stars; one submission).

gnomAD v4.1: 26 of 1,563,706 alleles (0.0017%); highest among the groups gnomAD compares: South Asian, 0.0024%; no homozygotes.

Submission:

Labcorp Genetics (formerly Invitae), Labcorp
Classification: Uncertain significance. Last evaluated: 2025-11-04. Review status: criteria provided, single submitter. Criteria: Invitae Variant Classification Sherloc (09022015). Collection method: clinical testing. Allele origin: germline.
Comment: This sequence change replaces arginine, which is basic and polar, with tryptophan, which is neutral and slightly polar, at codon 269 of the ARHGEF1 protein (p.Arg269Trp). This variant is present in population databases (no rsID available, gnomAD 0.005%). This variant has not been reported in the literature in individuals affected with ARHGEF1-related conditions. An algorithm developed to predict the effect of missense changes on protein structure and function (PolyPhen-2) suggests that this variant is likely to be disruptive. In summary, the available evidence is currently insufficient to determine the role of this variant in disease. Therefore, it has been classified as a Variant of Uncertain Significance.

NM_004706.4(ARHGEF1):c.760C>T (p.Arg254Trp)

Gene: ARHGEF1 (Rho guanine nucleotide exchange factor 1; plus strand). Cytogenetic location: 19q13.2.
Variant type: single nucleotide variant.
Coding change: c.760C>T on transcript NM_004706.4 (MANE Select); coding-DNA position 760, C replaced by T.
Protein change: p.Arg254Trp; replaces arginine 254 with tryptophan.
Molecular consequence: missense variant. On other transcripts: non-coding transcript variant (2).
Genome position (GRCh38, 1-based): chr19:41,894,466, C>T. VCF-style: chr19-41894466-C-T. GRCh37 (hg19) VCF-style: chr19-42398539-C-T.
Other names: c.760C>T, p.Arg254Trp (NM_001396000.1, NM_001396003.1, NM_001396006.1); c.661C>T, p.Arg221Trp (NM_001396002.1, NM_001396004.1, NM_198977.2); c.805C>T, p.Arg269Trp (NM_199002.2); short protein forms R221W, R254W, R269W.
Identifiers: ClinVar variation 4751935 (VCV004751935.1).
Genomic context (GRCh38, chr19:41,894,466, plus strand): 5'-GTCTCAGAGATGCTTAGCCTGGTCTTCCTCCCCGCCCTCTCACAGGTGATGGGGAACCGG[C>T]GGTCGGACGAGCCTGCCAAGACCAAGAAGGGGCTGAGCAGCATCCTGGATGCCGCCCGCT-3'
Protein context (NP_004697.2, residues 244-264): FFRKKVMGNR[Arg254Trp]SDEPAKTKKG